The following is an entry in ClinVar:

NM_001382567.1(STIM1):c.1906C>G (p.Pro636Ala)

Genes: STIM1 (stromal interaction molecule 1; plus strand), LOC124418421 (Sharpr-MPRA regulatory region 9588; plus strand). Cytogenetic location: 11p15.4.
Variant type: single nucleotide variant.
Coding change: c.1906C>G on transcript NM_001382567.1 (MANE Select); coding-DNA position 1906, C replaced by G.
Protein change: p.Pro636Ala; replaces proline 636 with alanine.
Molecular consequence: missense variant. On other transcripts: 3 prime UTR variant (4), non-coding transcript variant (3).
Genome position (GRCh38, 1-based): chr11:4,091,553, C>G. VCF-style: chr11-4091553-C-G. GRCh37 (hg19) VCF-style: chr11-4112783-C-G.
Other names: c.2131C>G, p.Pro711Ala (NM_001277961.3); c.*227C>G (NM_001277962.2, NM_001382578.1, NM_001382579.1 and 1 more transcripts); c.1909C>G, p.Pro637Ala (NM_001382566.1); c.1834C>G, p.Pro612Ala (NM_001382568.1); c.1678C>G, p.Pro560Ala (NM_001382569.1); c.1585C>G, p.Pro529Ala (NM_001382570.1); c.1333C>G, p.Pro445Ala (NM_001382571.1); c.1591C>G, p.Pro531Ala (NM_001382575.1, NM_001382576.1, NM_001382577.1); and 2 more; short protein forms P605A, P711A, P442A, P445A, P529A, P531A, P560A, P612A.
Identifiers: ClinVar variation 258975 (VCV000258975.14), dbSNP rs139432975, ClinGen allele CA5830635.

ClinVar aggregate classification (germline): Likely benign. Review status: criteria provided, multiple submitters, no conflicts (2 of 4 stars). 3 submissions from 3 submitters: Likely benign (3). Last evaluated 2025-11-18.

Conditions:
Myopathy with tubular aggregates (TAM). Also called: Tubular Aggregate Myopathy. Identifiers: Orphanet 2593, MedGen C0410207, MONDO:0008051.
Stormorken syndrome (STRMK). Also called: THROMBOCYTOPATHY, ASPLENIA, AND MIOSIS. Identifiers: Orphanet 3204, MedGen C1861451, MONDO:0008497, OMIM 185070.
Combined immunodeficiency due to STIM1 deficiency. Also called: IMMUNODEFICIENCY 10; STIM1 DEFICIENCY. Identifiers: Orphanet 169090, Orphanet 317430, MedGen C2748557, MONDO:0013008, OMIM 612783.

Allele frequency attached by ClinVar (database versions not stated): ESP Exome Variant Server 0.00008; gnomAD exomes 0.00048 and 0.00019; 1000 Genomes Project 0.00160; gnomAD 0.00006 and 0.00023; 1000 Genomes Project 30x 0.00125; TOPMed 0.00009; ExAC 0.00062.
gnomAD v4.1: 328 of 1,614,232 alleles (0.02%); highest among the groups gnomAD compares: South Asian, 0.31%; 1 homozygote.

Submissions (3):

Labcorp Genetics (formerly Invitae), Labcorp
Classification: Likely benign for Myopathy with tubular aggregates; Combined immunodeficiency due to STIM1 deficiency; Stormorken syndrome. Last evaluated: 2025-11-18. Review status: criteria provided, single submitter. Criteria: Invitae Variant Classification Sherloc (09022015). Collection method: clinical testing. Allele origin: germline.

Women's Health and Genetics/Laboratory Corporation of America, LabCorp
Classification: Likely benign. Last evaluated: 2022-11-03. Review status: criteria provided, single submitter. Criteria: LabCorp Variant Classification Summary - May 2015. Collection method: clinical testing. Allele origin: germline.
Comment: Variant summary: STIM1 c.1813C>G (p.Pro605Ala) results in a non-conservative amino acid change in the encoded protein sequence. Three of five in-silico tools predict a benign effect of the variant on protein function. The variant allele was found at a frequency of 0.00048 in 251374 control chromosomes in the gnomAD database (121/251374), including 1 homozygote. To our knowledge, no occurrence of c.1813C>G in individuals affected with STIM1-Related Disorders and no experimental evidence demonstrating its impact on protein function have been reported. STIM1 has been associated with three conditions: Stormorken syndrome is a autosomal dominant condition caused by p.R304W, while Tubular aggregate myopathy is caused by gain-of-function mutation in an autosomal dominant manner and Immunodeficiency 10 is a caused by loss-of-function mutations in an autosomal recessive manner (OMIM, MedGen). The relatively high frequency in controls, including the homozgyous occurrence is strong evidence that the variant is benign for the conditions caused by this gene. Two clinical diagnostic laboratories have submitted clinical-significance assessments for this variant to ClinVar after 2014 without evidence for independent evaluation. All laboratories classified the variant as likely benign. Based on the evidence outlined above, the variant was classified as likely benign.

PreventionGenetics, part of Exact Sciences
Classification: Likely benign. Review status: criteria provided, single submitter. Criteria: ACMG Guidelines, 2015. Collection method: clinical testing. Allele origin: germline.